The following is an entry in ClinVar:

ClinVar aggregate classification (germline): Likely benign (1 of 4 stars; one submission).

Allele frequency attached by ClinVar (database versions not stated): gnomAD 0.00142; 1000 Genomes Project 0.00040; 1000 Genomes Project 30x 0.00047; TOPMed 0.00126.
gnomAD v4.1: 2,599 of 1,612,984 alleles (0.16%); highest among the groups gnomAD compares: Non-Finnish European, 0.2%; 3 homozygotes.

Submissions (3):

CeGaT Center for Human Genetics Tuebingen
Classification: Likely benign. Last evaluated: 2026-09-01. Review status: criteria provided, single submitter. Criteria: CeGaT Center For Human Genetics Tuebingen Variant Classification Criteria Version 2. Collection method: clinical testing. Allele origin: germline. Affected: yes. Observed: 30 variant alleles.
Comment: DYNC1H1: BP4, BP7, BS1

Dr. Peter K. Rogan Lab, Western University
No classification provided (evidence only). Condition: Cholangiocarcinoma. Review status: no classification provided. Collection method: in vitro. Allele origin: not applicable. Functional consequence: retained intron. Not counted in ClinVar's aggregate classification.

Dr. Peter K. Rogan Lab, Western University
No classification provided (evidence only). Condition: Gastric cancer. Review status: no classification provided. Collection method: in vitro. Allele origin: not applicable. Functional consequence: retained intron. Not counted in ClinVar's aggregate classification.

NM_001376.5(DYNC1H1):c.13812+63C>T

Gene: DYNC1H1 (dynein cytoplasmic 1 heavy chain 1; plus strand). Cytogenetic location: 14q32.31.
Variant type: single nucleotide variant.
Coding change: c.13812+63C>T on transcript NM_001376.5 (MANE Select); 63 bases into the intron after coding-DNA position 13812, C replaced by T.
Molecular consequence: intron variant.
Genome position (GRCh38, 1-based): chr14:102,050,261, C>T. VCF-style: chr14-102050261-C-T. GRCh37 (hg19) VCF-style: chr14-102516598-C-T.
Other names: NC_000014.8:g.102516598C>T.
Identifiers: ClinVar variation 2570891 (VCV002570891.28), dbSNP rs185223287, ClinGen allele CA266990165.